The following is an entry in ClinVar:

NM_001035.3(RYR2):c.1207A>C (p.Ile403Leu)

Gene: RYR2 (ryanodine receptor 2; plus strand). Cytogenetic location: 1q43.
Variant type: single nucleotide variant.
Coding change: c.1207A>C on transcript NM_001035.3 (MANE Select); coding-DNA position 1207, A replaced by C.
Protein change: p.Ile403Leu; replaces isoleucine 403 with leucine.
Molecular consequence: missense variant.
Genome position (GRCh38, 1-based): chr1:237,445,437, A>C. VCF-style: chr1-237445437-A-C. GRCh37 (hg19) VCF-style: chr1-237608737-A-C.
Other names: short protein forms I403L.
Identifiers: ClinVar variation 1036061 (VCV001036061.8), dbSNP rs142797573, ClinGen allele CA085119.

ClinVar aggregate classification (germline): Conflicting classifications of pathogenicity. Review status: criteria provided, conflicting classifications (1 of 4 stars). 2 submissions from 2 submitters: Uncertain significance (1); Likely benign (1). Last evaluated 2025-04-28.

Conditions:
Catecholaminergic polymorphic ventricular tachycardia 1. Also called: RYR2-Related Catecholaminergic Polymorphic Ventricular Tachycardia; VENTRICULAR TACHYCARDIA, STRESS-INDUCED POLYMORPHIC 1; VENTRICULAR TACHYCARDIA, CATECHOLAMINERGIC POLYMORPHIC, 1, WITH OR WITHOUT ATRIAL DYSFUNCTION AND/OR DILATED CARDIOMYOPATHY. Identifiers: Orphanet 3286, MedGen C1631597, MONDO:0011484, OMIM 604772.
Cardiomyopathy (CMYO). Also called: Cardiomyopathies. Identifiers: Orphanet 167848, MedGen C0878544, MONDO:0004994, HP:0001638. Inheritance: Various modes of inheritance.

Allele frequency attached by ClinVar (database versions not stated): TOPMed 0.00002; gnomAD 0.00004.
gnomAD v4.1: 31 of 1,613,590 alleles (0.0019%); highest among the groups gnomAD compares: African/African-American, 0.004%; no homozygotes.

Submissions (2):

Labcorp Genetics (formerly Invitae), Labcorp
Classification: Likely benign for Catecholaminergic polymorphic ventricular tachycardia 1. Last evaluated: 2025-04-28. Review status: criteria provided, single submitter. Criteria: Invitae Variant Classification Sherloc (09022015). Collection method: clinical testing. Allele origin: germline.

Color Diagnostics, LLC DBA Color Health
Classification: Uncertain significance for Cardiomyopathy. Last evaluated: 2024-05-28. Review status: criteria provided, single submitter. Criteria: ACMG Guidelines, 2015. Collection method: clinical testing. Allele origin: germline.
Comment: This missense variant replaces isoleucine with leucine at codon 403 of the RYR2 protein. Computational prediction suggests that this variant may not impact protein structure and function. To our knowledge, functional studies have not been reported for this variant. This variant has not been reported in individuals affected with RYR2-related disorders in the literature. This variant has been identified in 4/280452 chromosomes in the general population by the Genome Aggregation Database (gnomAD). The available evidence is insufficient to determine the role of this variant in disease conclusively. Therefore, this variant is classified as a Variant of Uncertain Significance.